The following is an entry in ClinVar:

ClinVar aggregate classification (germline): Uncertain significance (1 of 4 stars; one submission).

Conditions:
Fanconi anemia (FA). Also called: Fanconi's anemia. Identifiers: Orphanet 84, MedGen C0015625, MeSH D005199, MONDO:0019391.

Submission:

Labcorp Genetics (formerly Invitae), Labcorp
Classification: Uncertain significance for Fanconi anemia. Last evaluated: 2022-08-12. Review status: criteria provided, single submitter. Criteria: Invitae Variant Classification Sherloc (09022015). Collection method: clinical testing. Allele origin: germline.
Comment: This sequence change replaces serine, which is neutral and polar, with phenylalanine, which is neutral and non-polar, at codon 1867 of the FANCM protein (p.Ser1867Phe). This variant is not present in population databases (gnomAD no frequency). This variant has not been reported in the literature in individuals affected with FANCM-related conditions. Algorithms developed to predict the effect of missense changes on protein structure and function (SIFT, PolyPhen-2, Align-GVGD) all suggest that this variant is likely to be tolerated. In summary, the available evidence is currently insufficient to determine the role of this variant in disease. Therefore, it has been classified as a Variant of Uncertain Significance.

NM_020937.4(FANCM):c.5600C>T (p.Ser1867Phe)

Gene: FANCM (FA complementation group M; plus strand). Cytogenetic location: 14q21.2.
Variant type: single nucleotide variant.
Coding change: c.5600C>T on transcript NM_020937.4 (MANE Select); coding-DNA position 5600, C replaced by T.
Protein change: p.Ser1867Phe; replaces serine 1867 with phenylalanine.
Molecular consequence: missense variant.
Genome position (GRCh38, 1-based): chr14:45,196,431, C>T. VCF-style: chr14-45196431-C-T. GRCh37 (hg19) VCF-style: chr14-45665634-C-T.
Other names: c.5522C>T, p.Ser1841Phe (NM_001308133.2); short protein forms S1841F, S1867F.
Identifiers: ClinVar variation 1716215 (VCV001716215.5), dbSNP rs2503270739, ClinGen allele CA389586215.
Genomic context (GRCh38, chr14:45,196,431, plus strand): 5'-TTTGTCCTCTTAATGGCTGTGATTACATCGTGAGTAATCGCATGGTGGTGGAAAGGAGGT[C>T]TCAATCTGAGATGTTAAATAGTGTCAATAAGAACAAGTTCATTGAGCAGATCCAGCACCT-3'
Protein context (NP_065988.1, residues 1857-1877): VSNRMVVERR[Ser1867Phe]QSEMLNSVNK